The following is an entry in ClinVar:

ClinVar aggregate classification (germline): Uncertain significance. Review status: criteria provided, multiple submitters, no conflicts (2 of 4 stars). 2 submissions from 2 submitters: Uncertain significance (2). Last evaluated 2026-02-22.

Conditions:
Hereditary cancer-predisposing syndrome. Also called: Neoplastic Syndromes, Hereditary; Hereditary Cancer Syndrome; Hereditary neoplastic syndrome; Tumor predisposition. Identifiers: Orphanet 140162, MedGen C0027672, MeSH D009386, MONDO:0015356.
Renal cell carcinoma. Identifiers: Orphanet 217071, MedGen C0007134, MeSH D002292, MONDO:0005086, HP:0005584.

Submissions (2):

Ambry Genetics
Classification: Uncertain significance for Hereditary cancer-predisposing syndrome. Last evaluated: 2026-02-22. Review status: criteria provided, single submitter. Criteria: Ambry Variant Classification Scheme 2023. Collection method: clinical testing. Allele origin: germline.
Comment: The p.F949V variant (also known as c.2845T>G), located in coding exon 12 of the MET gene, results from a T to G substitution at nucleotide position 2845. The phenylalanine at codon 949 is replaced by valine, an amino acid with highly similar properties. This amino acid position is conserved. In addition, this alteration is predicted to be tolerated by in silico analysis. Based on the available evidence, the clinical significance of this variant remains unclear.

Labcorp Genetics (formerly Invitae), Labcorp
Classification: Uncertain significance for Renal cell carcinoma. Last evaluated: 2025-03-09. Review status: criteria provided, single submitter. Criteria: Invitae Variant Classification Sherloc (09022015). Collection method: clinical testing. Allele origin: germline.
Comment: This sequence change replaces phenylalanine, which is neutral and non-polar, with valine, which is neutral and non-polar, at codon 949 of the MET protein (p.Phe949Val). This variant is not present in population databases (gnomAD no frequency). This variant has not been reported in the literature in individuals affected with MET-related conditions. Invitae Evidence Modeling of protein sequence and biophysical properties (such as structural, functional, and spatial information, amino acid conservation, physicochemical variation, residue mobility, and thermodynamic stability) indicates that this missense variant is not expected to disrupt MET protein function with a negative predictive value of 80%. In summary, the available evidence is currently insufficient to determine the role of this variant in disease. Therefore, it has been classified as a Variant of Uncertain Significance.

NM_000245.4(MET):c.2791T>G (p.Phe931Val)

Gene: MET (MET proto-oncogene, receptor tyrosine kinase; plus strand). Cytogenetic location: 7q31.2.
Variant type: single nucleotide variant.
Coding change: c.2791T>G on transcript NM_000245.4 (MANE Select); coding-DNA position 2791, T replaced by G.
Protein change: p.Phe931Val; replaces phenylalanine 931 with valine.
Molecular consequence: missense variant.
Genome position (GRCh38, 1-based): chr7:116,771,558, T>G. VCF-style: chr7-116771558-T-G. GRCh37 (hg19) VCF-style: chr7-116411612-T-G.
Other names: c.2845T>G, p.Phe949Val (NM_001127500.3); c.1501T>G, p.Phe501Val (NM_001324402.2); short protein forms F501V, F931V, F949V.
Identifiers: ClinVar variation 3609126 (VCV003609126.3).